The following is an entry in ClinVar:

ClinVar aggregate classification (germline): Pathogenic. Review status: criteria provided, multiple submitters, no conflicts (2 of 4 stars). 4 submissions from 4 submitters: Pathogenic (3). 1 of the submissions does not count toward it. Last evaluated 2025-09-25.

Conditions:
PMM2-congenital disorder of glycosylation. Also called: PMM2-CDG; Congenital disorder of glycosylation, type Ia; PHOSPHOMANNOMUTASE 2 DEFICIENCY; CARBOHYDRATE-DEFICIENT GLYCOPROTEIN SYNDROME, TYPE Ia; CDG Ia; JAEKEN SYNDROME. Identifiers: Orphanet 79318, MedGen C0349653, MONDO:0008907, OMIM 212065.

Allele frequency attached by ClinVar (database versions not stated): gnomAD exomes below 0.00001.

Submissions (4):

Natera, Inc.
Classification: Pathogenic for Congenital disorder of glycosylation type 1a. Last evaluated: 2025-09-25. Review status: criteria provided, single submitter. Criteria: Natera Variant Classification Schema (03/2026). Collection method: clinical testing. Allele origin: germline.
Comment: The c.511dup variant in PMM2 is a frameshift variant predicted to shift the reading frame beginning at codon 171 and leads to a stop codon 11 codons downstream. This variant is expected to result in nonsense mediated decay, truncation, or a dysfunctional protein product. This variant is rare in the general population with a frequency below the threshold expected for the associated phenotype(s). This variant has been observed in one or more individuals affected with the associated recessive disease, as either homozygous or compound heterozygous with a second variant (PMID: 25355454). Given the available evidence, this variant is classified as Pathogenic.

Labcorp Genetics (formerly Invitae), Labcorp
Classification: Pathogenic for PMM2-congenital disorder of glycosylation. Last evaluated: 2023-10-05. Review status: criteria provided, single submitter. Criteria: Invitae Variant Classification Sherloc (09022015). Collection method: clinical testing. Allele origin: germline.
Comment: This sequence change creates a premature translational stop signal (p.Thr171Asnfs*11) in the PMM2 gene. It is expected to result in an absent or disrupted protein product. Loss-of-function variants in PMM2 are known to be pathogenic (PMID: 19862844). This variant is not present in population databases (gnomAD no frequency). This premature translational stop signal has been observed in individual(s) with mild clinical features of PMM2-congenital disorders of glycosylation (PMID: 25355454). ClinVar contains an entry for this variant (Variation ID: 370217). For these reasons, this variant has been classified as Pathogenic.

Laboratorio de Genetica e Diagnostico Molecular, Hospital Israelita Albert Einstein
Classification: Pathogenic. Last evaluated: 2019-11-07. Review status: criteria provided, single submitter. Criteria: ACMG Guidelines, 2015. Collection method: clinical testing. Allele origin: germline. Affected: yes.
Comment: ACMG classification criteria: PVS1, PS4, PM2, PM3

Counsyl
Classification: Likely pathogenic for PMM2-congenital disorder of glycosylation. Last evaluated: 2015-12-15. Review status: no assertion criteria provided. Collection method: clinical testing. Allele origin: unknown. Not counted in ClinVar's aggregate classification.

Literature cited by the submitters: PubMed 25355454 (cited by 3 submitters); PubMed 19862844 (cited by Labcorp Genetics (formerly Invitae), Labcorp).

NM_000303.3(PMM2):c.511dup (p.Thr171fs)

Gene: PMM2 (phosphomannomutase 2; plus strand). Cytogenetic location: 16p13.2.
Variant type: Duplication.
Coding change: c.511dup on transcript NM_000303.3 (MANE Select); coding-DNA position 511, one base duplicated (A; older notation c.511dupA).
Protein change: p.Thr171fs; shifts the reading frame from threonine 171.
Molecular consequence: frameshift variant.
Genome position (GRCh38, 1-based): chr16:8,811,701, A duplicated. VCF-style (leftmost placement, unchanged base first): chr16-8811700-C-CA. GRCh37 (hg19) VCF-style: chr16-8905557-C-CA.
Other names: c.511dupA (NM_000303.2, NM_000303.3); c.511dup (NM_000303.2); short protein forms T171fs.
Identifiers: ClinVar variation 370217 (VCV000370217.12), dbSNP rs1057516323, ClinGen allele CA16041799.